The following is an entry in ClinVar:

ClinVar aggregate classification (germline): Uncertain significance (1 of 4 stars; one submission).

Conditions:
Hereditary cancer-predisposing syndrome. Also called: Hereditary Cancer Syndrome; Tumor predisposition; Hereditary neoplastic syndrome; Neoplastic Syndromes, Hereditary. Identifiers: Orphanet 140162, MedGen C0027672, MeSH D009386, MONDO:0015356.

Submission:

Ambry Genetics
Classification: Uncertain significance for Hereditary cancer-predisposing syndrome. Last evaluated: 2024-11-22. Review status: criteria provided, single submitter. Criteria: Ambry Variant Classification Scheme 2023. Collection method: clinical testing. Allele origin: germline.
Comment: The p.L1001F variant (also known as c.3001C>T), located in coding exon 13 of the MET gene, results from a C to T substitution at nucleotide position 3001. The leucine at codon 1001 is replaced by phenylalanine, an amino acid with highly similar properties. This amino acid position is conserved. In addition, the in silico prediction for this alteration is inconclusive. Based on the available evidence, the clinical significance of this variant remains unclear.

NM_000245.4(MET):c.2947C>T (p.Leu983Phe)

Gene: MET (MET proto-oncogene, receptor tyrosine kinase; plus strand). Cytogenetic location: 7q31.2.
Variant type: single nucleotide variant.
Coding change: c.2947C>T on transcript NM_000245.4 (MANE Select); coding-DNA position 2947, C replaced by T.
Protein change: p.Leu983Phe; replaces leucine 983 with phenylalanine.
Molecular consequence: missense variant.
Genome position (GRCh38, 1-based): chr7:116,771,908, C>T. VCF-style: chr7-116771908-C-T. GRCh37 (hg19) VCF-style: chr7-116411962-C-T.
Other names: c.3001C>T, p.Leu1001Phe (NM_001127500.3); c.1657C>T, p.Leu553Phe (NM_001324402.2); short protein forms L553F, L983F, L1001F.
Identifiers: ClinVar variation 3395207 (VCV003395207.1).
Genomic context (GRCh38, chr7:116,771,908, plus strand): 5'-GATCTGGGCAGTGAATTAGTTCGCTACGATGCAAGAGTACACACTCCTCATTTGGATAGG[C>T]TTGTAAGTGCCCGAAGTGTAAGCCCAACTACAGAAATGGTTTCAAATGAATCTGTAGACT-3'
Protein context (NP_000236.2, residues 973-993): ARVHTPHLDR[Leu983Phe]VSARSVSPTT